The following is an entry in ClinVar:

NM_006059.4(LAMC3):c.686T>C (p.Val229Ala)

Gene: LAMC3 (laminin subunit gamma 3; plus strand). Cytogenetic location: 9q34.12.
Variant type: single nucleotide variant.
Coding change: c.686T>C on transcript NM_006059.4 (MANE Select); coding-DNA position 686, T replaced by C.
Protein change: p.Val229Ala; replaces valine 229 with alanine.
Molecular consequence: missense variant.
Genome position (GRCh38, 1-based): chr9:131,032,052, T>C. VCF-style: chr9-131032052-T-C. GRCh37 (hg19) VCF-style: chr9-133907439-T-C.
Other names: short protein forms V229A.
Identifiers: ClinVar variation 742967 (VCV000742967.17), dbSNP rs149485800, ClinGen allele CA5286778.

ClinVar aggregate classification (germline): Conflicting classifications of pathogenicity. Review status: criteria provided, conflicting classifications (1 of 4 stars). 4 submissions from 4 submitters: Uncertain significance (1); Likely benign (2). 1 of the submissions does not count toward it. Last evaluated 2025-11-03.

Conditions:
LAMC3-related disorder. Also called: LAMC3-related condition.
Inborn genetic diseases. Identifiers: MedGen C0950123, MeSH D030342.

Allele frequency attached by ClinVar (database versions not stated): gnomAD 0.00004 and 0.00013; TOPMed 0.00004; ESP Exome Variant Server 0.00008; gnomAD exomes 0.00047; ExAC 0.00053.
gnomAD v4.1: 386 of 1,613,806 alleles (0.024%); highest among the groups gnomAD compares: South Asian, 0.35%; 3 homozygotes.

Submissions (4):

Labcorp Genetics (formerly Invitae), Labcorp
Classification: Likely benign. Last evaluated: 2025-11-03. Review status: criteria provided, single submitter. Criteria: Invitae Variant Classification Sherloc (09022015). Collection method: clinical testing. Allele origin: germline.

GeneDx
Classification: Uncertain significance. Last evaluated: 2022-12-16. Review status: criteria provided, single submitter. Criteria: GeneDx Variant Classification Process June 2021. Collection method: clinical testing. Allele origin: germline. Affected: yes.
Comment: In silico analysis supports that this missense variant has a deleterious effect on protein structure/function; Has not been previously published as pathogenic or benign to our knowledge

Ambry Genetics
Classification: Likely benign for Inborn genetic diseases. Last evaluated: 2022-11-22. Review status: criteria provided, single submitter. Criteria: Ambry Variant Classification Scheme 2023. Collection method: clinical testing. Allele origin: germline.

PreventionGenetics, part of Exact Sciences
Classification: Likely benign for LAMC3-related condition. Last evaluated: 2023-11-29. Review status: no assertion criteria provided. Collection method: clinical testing. Allele origin: germline. Not counted in ClinVar's aggregate classification.
Comment: This variant is classified as likely benign based on ACMG/AMP sequence variant interpretation guidelines (Richards et al. 2015 PMID: 25741868, with internal and published modifications).